The following is an entry in ClinVar:

ClinVar aggregate classification (germline): Uncertain significance (1 of 4 stars; one submission).

Conditions:
Inborn genetic diseases. Identifiers: MedGen C0950123, MeSH D030342.

Submission:

Ambry Genetics
Classification: Uncertain significance for Inborn genetic diseases. Last evaluated: 2024-07-15. Review status: criteria provided, single submitter. Criteria: Ambry Variant Classification Scheme 2023. Collection method: clinical testing. Allele origin: germline.
Comment: The p.V302A variant (also known as c.905T>C), located in coding exon 8 of the EPAS1 gene, results from a T to C substitution at nucleotide position 905. The valine at codon 302 is replaced by alanine, an amino acid with similar properties. This amino acid position is conserved. In addition, this alteration is predicted to be tolerated by in silico analysis. Since supporting evidence is limited at this time, the clinical significance of this alteration remains unclear.

NM_001430.5(EPAS1):c.905T>C (p.Val302Ala)

Gene: EPAS1 (endothelial PAS domain protein 1; plus strand). Cytogenetic location: 2p21.
Variant type: single nucleotide variant.
Coding change: c.905T>C on transcript NM_001430.5 (MANE Select); coding-DNA position 905, T replaced by C.
Protein change: p.Val302Ala; replaces valine 302 with alanine.
Molecular consequence: missense variant.
Genome position (GRCh38, 1-based): chr2:46,375,708, T>C. VCF-style: chr2-46375708-T-C. GRCh37 (hg19) VCF-style: chr2-46602847-T-C.
Other names: short protein forms V302A.
Identifiers: ClinVar variation 1765629 (VCV001765629.3), dbSNP rs1572646008, ClinGen allele CA346702632.